The following is an entry in ClinVar:

NM_000127.3(EXT1):c.809G>C (p.Arg270Thr)

Gene: EXT1 (exostosin glycosyltransferase 1; minus strand). Cytogenetic location: 8q24.11.
Variant type: single nucleotide variant.
Coding change: c.809G>C on transcript NM_000127.3 (MANE Select); coding-DNA position 809, G replaced by C.
Protein change: p.Arg270Thr; replaces arginine 270 with threonine.
Molecular consequence: missense variant.
Genome position (GRCh38, 1-based): chr8:118,110,238, C>G on the plus strand (G>C on the coding strand, the complement: EXT1 is on the minus strand). VCF-style: chr8-118110238-C-G. GRCh37 (hg19) VCF-style: chr8-119122477-C-G.
Other names: short protein forms R270T.
Identifiers: ClinVar variation 2981433 (VCV002981433.3), dbSNP rs1477621319, ClinGen allele CA371915003.

ClinVar aggregate classification (germline): Uncertain significance (1 of 4 stars; one submission).

Conditions:
Multiple congenital exostosis (EXT). Also called: Multiple osteochondromas; Hereditary multiple osteochondromas; Hereditary multiple exostoses; Hereditary multiple exostosis; Multiple exostoses; MULTIPLE CARTILAGINOUS EXOSTOSES. Identifiers: Orphanet 321, MedGen C0015306, MONDO:0005508, HP:0002762.

gnomAD v4.1: 1 of 1,614,188 alleles (0.000062%); highest among the groups gnomAD compares: Non-Finnish European, 0.000085%; no homozygotes.

Submission:

Labcorp Genetics (formerly Invitae), Labcorp
Classification: Uncertain significance for Multiple congenital exostosis. Last evaluated: 2022-11-04. Review status: criteria provided, single submitter. Criteria: Invitae Variant Classification Sherloc (09022015). Collection method: clinical testing. Allele origin: germline.
Comment: This sequence change replaces arginine, which is basic and polar, with threonine, which is neutral and polar, at codon 270 of the EXT1 protein (p.Arg270Thr). In summary, the available evidence is currently insufficient to determine the role of this variant in disease. Therefore, it has been classified as a Variant of Uncertain Significance. Advanced modeling of protein sequence and biophysical properties (such as structural, functional, and spatial information, amino acid conservation, physicochemical variation, residue mobility, and thermodynamic stability) performed at Invitae indicates that this missense variant is expected to disrupt EXT1 protein function. This variant has not been reported in the literature in individuals affected with EXT1-related conditions. This variant is not present in population databases (gnomAD no frequency).